The following is an entry in ClinVar:

ClinVar aggregate classification (germline): Uncertain significance. Review status: criteria provided, multiple submitters, no conflicts (2 of 4 stars). 2 submissions from 2 submitters: Uncertain significance (2). Last evaluated 2024-10-17.

Conditions:
Angioedema, hereditary, 4. Identifiers: MedGen C5543503, MONDO:0025712, OMIM 619360.
Plasminogen deficiency, type I. Also called: Type 1 plasminogen deficiency; Hypoplasminogenemia. Identifiers: Orphanet 722, MedGen C1968804, MONDO:0009009, OMIM 217090.

Allele frequency attached by ClinVar (database versions not stated): gnomAD 0.00001; TOPMed 0.00002; ExAC 0.00003; gnomAD exomes 0.00003; ESP Exome Variant Server 0.00008.
gnomAD v4.1: 50 of 1,610,252 alleles (0.0031%); highest among the groups gnomAD compares: Middle Eastern, 0.067%; no homozygotes.

Submissions (2):

Labcorp Genetics (formerly Invitae), Labcorp
Classification: Uncertain significance. Last evaluated: 2024-10-17. Review status: criteria provided, single submitter. Criteria: Invitae Variant Classification Sherloc (09022015). Collection method: clinical testing. Allele origin: germline.
Comment: This sequence change replaces glutamic acid, which is acidic and polar, with lysine, which is basic and polar, at codon 180 of the PLG protein (p.Glu180Lys). This variant is present in population databases (rs369353385, gnomAD 0.008%). This missense change has been observed in individual(s) with clinical features of type 1 plasminogen deficiency (PMID: 26340456). Invitae Evidence Modeling of protein sequence and biophysical properties (such as structural, functional, and spatial information, amino acid conservation, physicochemical variation, residue mobility, and thermodynamic stability) indicates that this missense variant is not expected to disrupt PLG protein function with a negative predictive value of 95%. In summary, the available evidence is currently insufficient to determine the role of this variant in disease. Therefore, it has been classified as a Variant of Uncertain Significance.

Fulgent Genetics
Classification: Uncertain significance for Plasminogen deficiency, type I; Angioedema, hereditary, 4. Last evaluated: 2024-01-02. Review status: criteria provided, single submitter. Criteria: ACMG Guidelines, 2015. Collection method: clinical testing. Allele origin: germline.

Literature cited by the submitters: PubMed 26340456 (cited by Labcorp Genetics (formerly Invitae), Labcorp).

NM_000301.5(PLG):c.538G>A (p.Glu180Lys)

Gene: PLG (plasminogen; plus strand). Cytogenetic location: 6q26.
Variant type: single nucleotide variant.
Coding change: c.538G>A on transcript NM_000301.5 (MANE Select); coding-DNA position 538, G replaced by A.
Protein change: p.Glu180Lys; replaces glutamic acid 180 with lysine.
Molecular consequence: missense variant.
Genome position (GRCh38, 1-based): chr6:160,713,116, G>A. VCF-style: chr6-160713116-G-A. GRCh37 (hg19) VCF-style: chr6-161134148-G-A.
Other names: short protein forms E180K.
Identifiers: ClinVar variation 2714630 (VCV002714630.4), dbSNP rs369353385, ClinGen allele CA4087469.